The following is an entry in ClinVar:

ClinVar aggregate classification (germline): Uncertain significance (1 of 4 stars; one submission).

Conditions:
Aortic aneurysm, familial thoracic 8 (AAT8). Identifiers: MedGen C3809513, MONDO:0014187, OMIM 615436.

Submission:

Labcorp Genetics (formerly Invitae), Labcorp
Classification: Uncertain significance for Aortic aneurysm, familial thoracic 8. Last evaluated: 2024-04-29. Review status: criteria provided, single submitter. Criteria: Invitae Variant Classification Sherloc (09022015). Collection method: clinical testing. Allele origin: germline.
Comment: This sequence change falls in intron 14 of the PRKG1 gene. It does not directly change the encoded amino acid sequence of the PRKG1 protein. Information on the frequency of this variant in the gnomAD database is not available, as this variant may be reported differently in the database. This variant has not been reported in the literature in individuals affected with PRKG1-related conditions. Experimental studies and prediction algorithms are not available or were not evaluated, and the effect of this variant on mRNA splicing is currently unknown. In summary, the available evidence is currently insufficient to determine the role of this variant in disease. Therefore, it has been classified as a Variant of Uncertain Significance.

NM_006258.4(PRKG1):c.1709+18_1709+19delinsAC

Gene: PRKG1 (protein kinase cGMP-dependent 1; plus strand). Cytogenetic location: 10q21.1.
Variant type: Indel.
Coding change: c.1709+18_1709+19delinsAC on transcript NM_006258.4 (MANE Select); bases 18 to 19 of the intron after coding-DNA position 1709, GA replaced by AC.
Molecular consequence: intron variant.
Genome position (GRCh38, 1-based): chr10:52,282,334-52,282,335, GA replaced by AC. VCF-style: chr10-52282334-GA-AC. GRCh37 (hg19) VCF-style: chr10-54042094-GA-AC.
Other names: c.1664+18_1664+19delinsAC (NM_001098512.3); c.500+18_500+19delinsAC (NM_001374781.1).
Identifiers: ClinVar variation 3705384 (VCV003705384.2).